The following is an entry in ClinVar:

ClinVar aggregate classification (germline): Uncertain significance (1 of 4 stars; one submission).

Allele frequency attached by ClinVar (database versions not stated): gnomAD exomes below 0.00001 and 0.00001; ExAC 0.00001; gnomAD 0.00001; TOPMed 0.00001.
gnomAD v4.1: 8 of 1,613,528 alleles (0.0005%); highest among the groups gnomAD compares: African/African-American, 0.0013%; no homozygotes.

Submission:

Labcorp Genetics (formerly Invitae), Labcorp
Classification: Uncertain significance. Last evaluated: 2022-09-19. Review status: criteria provided, single submitter. Criteria: Invitae Variant Classification Sherloc (09022015). Collection method: clinical testing. Allele origin: germline.
Comment: In summary, the available evidence is currently insufficient to determine the role of this variant in disease. Therefore, it has been classified as a Variant of Uncertain Significance. Algorithms developed to predict the effect of sequence changes on RNA splicing suggest that this variant may create or strengthen a splice site. Advanced modeling of protein sequence and biophysical properties (such as structural, functional, and spatial information, amino acid conservation, physicochemical variation, residue mobility, and thermodynamic stability) performed at Invitae indicates that this missense variant is not expected to disrupt SRP54 protein function. ClinVar contains an entry for this variant (Variation ID: 1026728). This variant has not been reported in the literature in individuals affected with SRP54-related conditions. This variant is present in population databases (rs764261072, gnomAD 0.007%). This sequence change replaces alanine, which is neutral and non-polar, with valine, which is neutral and non-polar, at codon 317 of the SRP54 protein (p.Ala317Val).

NM_003136.4(SRP54):c.950C>T (p.Ala317Val)

Gene: SRP54 (signal recognition particle 54; plus strand). Cytogenetic location: 14q13.2.
Variant type: single nucleotide variant.
Coding change: c.950C>T on transcript NM_003136.4 (MANE Select); coding-DNA position 950, C replaced by T.
Protein change: p.Ala317Val; replaces alanine 317 with valine.
Molecular consequence: missense variant.
Genome position (GRCh38, 1-based): chr14:35,014,807, C>T. VCF-style: chr14-35014807-C-T. GRCh37 (hg19) VCF-style: chr14-35484013-C-T.
Other names: c.803C>T, p.Ala268Val (NM_001146282.2); short protein forms A268V, A317V.
Identifiers: ClinVar variation 1026728 (VCV001026728.8), dbSNP rs764261072, ClinGen allele CA7153724.
Genomic context (GRCh38, chr14:35,014,807, plus strand): 5'-TGGGCGACATTGAAGGACTGATAGATAAAGTCAACGAGTTGAAGTTGGATGACAATGAAG[C>T]ACTTATAGAGAAGTTGAAACATGGTATATGAGTGACAAAAAAGCACTTCATCTCAGATTT-3'
Protein context (NP_003127.1, residues 307-327): VNELKLDDNE[Ala317Val]LIEKLKHGQF